The following is an entry in ClinVar:

NM_019098.5(CNGB3):c.1155G>A (p.Trp385Ter)

Gene: CNGB3 (cyclic nucleotide gated channel subunit beta 3; minus strand). Cytogenetic location: 8q21.3.
Variant type: single nucleotide variant.
Coding change: c.1155G>A on transcript NM_019098.5 (MANE Select); coding-DNA position 1155, G replaced by A.
Protein change: p.Trp385Ter; replaces tryptophan 385 with a stop codon.
Molecular consequence: nonsense.
Genome position (GRCh38, 1-based): chr8:86,643,774, C>T on the plus strand (G>A on the coding strand, the complement: CNGB3 is on the minus strand). VCF-style: chr8-86643774-C-T. GRCh37 (hg19) VCF-style: chr8-87656002-C-T.
Other names: short protein forms W385*.
Identifiers: ClinVar variation 2691557 (VCV002691557.1), dbSNP rs2538098825, ClinGen allele CA371446746.

ClinVar aggregate classification (germline): Pathogenic (1 of 4 stars; one submission).

Conditions:
Achromatopsia 3 (ACHM3). Also called: PINGELAPESE BLINDNESS; TOTAL COLORBLINDNESS WITH MYOPIA; ROD MONOCHROMACY 1; ROD MONOCHROMATISM 1; ACHROMATOPSIA WITH MYOPIA. Identifiers: Orphanet 49382, MedGen C1849792, MONDO:0009875, OMIM 262300.

Submission:

Women's Health and Genetics/Laboratory Corporation of America, LabCorp
Classification: Pathogenic for Achromatopsia 3. Last evaluated: 2023-12-08. Review status: criteria provided, single submitter. Criteria: LabCorp Variant Classification Summary - May 2015. Collection method: clinical testing. Allele origin: germline.
Comment: Variant summary: CNGB3 c.1155G>A (p.Trp385X) results in a premature termination codon and is expected to cause absence of the protein due to nonsense mediated decay, a commonly known mechanism for disease. The variant was absent in 250590 control chromosomes (gnomAD). To our knowledge, no occurrence of c.1155G>A in individuals affected with Achromatopsia and no experimental evidence demonstrating its impact on protein function have been reported. No submitters have cited clinical-significance assessments for this variant to ClinVar after 2014. Based on the evidence outlined above, the variant was classified as pathogenic.